The following is an entry in ClinVar:

NM_001098.3(ACO2):c.19C>G (p.Leu7Val)

Gene: ACO2 (aconitase 2; plus strand). Cytogenetic location: 22q13.2.
Variant type: single nucleotide variant.
Coding change: c.19C>G on transcript NM_001098.3 (MANE Select); coding-DNA position 19, C replaced by G.
Protein change: p.Leu7Val; replaces leucine 7 with valine.
Molecular consequence: missense variant.
Genome position (GRCh38, 1-based): chr22:41,469,165, C>G. VCF-style: chr22-41469165-C-G. GRCh37 (hg19) VCF-style: chr22-41865169-C-G.
Other names: short protein forms L7V.
Identifiers: ClinVar variation 2106339 (VCV002106339.4), dbSNP rs748509428, ClinGen allele CA411705576.

ClinVar aggregate classification (germline): Uncertain significance (1 of 4 stars; one submission).

gnomAD v4.1: 2 of 1,609,508 alleles (0.00012%); highest among the groups gnomAD compares: East Asian, 0.0023%; no homozygotes.

Submission:

Labcorp Genetics (formerly Invitae), Labcorp
Classification: Uncertain significance. Last evaluated: 2023-07-17. Review status: criteria provided, single submitter. Criteria: Invitae Variant Classification Sherloc (09022015). Collection method: clinical testing. Allele origin: germline.
Comment: Advanced modeling of protein sequence and biophysical properties (such as structural, functional, and spatial information, amino acid conservation, physicochemical variation, residue mobility, and thermodynamic stability) performed at Invitae indicates that this missense variant is not expected to disrupt ACO2 protein function. In summary, the available evidence is currently insufficient to determine the role of this variant in disease. Therefore, it has been classified as a Variant of Uncertain Significance. This sequence change replaces leucine, which is neutral and non-polar, with valine, which is neutral and non-polar, at codon 7 of the ACO2 protein (p.Leu7Val). This variant is present in population databases (no rsID available, gnomAD 0.006%). This variant has not been reported in the literature in individuals affected with ACO2-related conditions. ClinVar contains an entry for this variant (Variation ID: 2106339).